The following is an entry in ClinVar:

NM_015139.3(SLC35D1):c.284T>C (p.Val95Ala)

Gene: SLC35D1 (solute carrier family 35 member D1; minus strand). Cytogenetic location: 1p31.3.
Variant type: single nucleotide variant.
Coding change: c.284T>C on transcript NM_015139.3 (MANE Select); coding-DNA position 284, T replaced by C.
Protein change: p.Val95Ala; replaces valine 95 with alanine.
Molecular consequence: missense variant.
Genome position (GRCh38, 1-based): chr1:67,052,811, A>G on the plus strand (T>C on the coding strand, the complement: SLC35D1 is on the minus strand). VCF-style: chr1-67052811-A-G. GRCh37 (hg19) VCF-style: chr1-67518494-A-G.
Other names: short protein forms V95A.
Identifiers: ClinVar variation 1695476 (VCV001695476.2), dbSNP rs2102379548, ClinGen allele CA340707941.
Genomic context (GRCh38, chr1:67,052,811, plus strand): 5'-TATCGCTTTTCTTCTTTTACCTTTCGAGGTACATTTCTGTCAAGGTCAGGAAACTTGACT[A>G]CTCTGAGCGCCTTTCCCACCCAGAGAACTGCCACTGTGGCCACCATCTGTAAACAAGAGA-3'
Protein context (NP_055954.1, residues 85-105): AVLWVGKALR[Val95Ala]VKFPDLDRNV

ClinVar aggregate classification (germline): Uncertain significance (1 of 4 stars; one submission).

Submission:

GeneDx
Classification: Uncertain significance. Last evaluated: 2022-01-07. Review status: criteria provided, single submitter. Criteria: GeneDx Variant Classification Process June 2021. Collection method: clinical testing. Allele origin: germline. Affected: yes.
Comment: Not observed at significant frequency in large population cohorts (gnomAD); In silico analysis supports that this missense variant has a deleterious effect on protein structure/function; Has not been previously published as pathogenic or benign to our knowledge